The following is an entry in ClinVar:

ClinVar aggregate classification (germline): Uncertain significance (1 of 4 stars; one submission).

Conditions:
POLD1-related polyposis and colorectal cancer syndrome (CRCS10). Also called: Colorectal cancer 10; COLORECTAL CANCER, SUSCEPTIBILITY TO, ON CHROMOSOME 19q; Colorectal cancer, susceptibility to, 10. Identifiers: Orphanet 220460, MedGen C2675481, MONDO:0012953, OMIM 612591.

Submission:

Labcorp Genetics (formerly Invitae), Labcorp
Classification: Uncertain significance for POLD1-related polyposis and colorectal cancer syndrome. Last evaluated: 2019-11-14. Review status: criteria provided, single submitter. Criteria: Invitae Variant Classification Sherloc (09022015). Collection method: clinical testing. Allele origin: germline.
Comment: This variant has not been reported in the literature in individuals with POLD1-related conditions. This sequence change replaces phenylalanine with isoleucine at codon 384 of the POLD1 protein (p.Phe384Ile). The phenylalanine residue is highly conserved and there is a small physicochemical difference between phenylalanine and isoleucine. This variant is not present in population databases (ExAC no frequency). Algorithms developed to predict the effect of missense changes on protein structure and function are either unavailable or do not agree on the potential impact of this missense change (SIFT: "Deleterious"; PolyPhen-2: "Probably Damaging"; Align-GVGD: "Class C0"). In summary, the available evidence is currently insufficient to determine the role of this variant in disease. Therefore, it has been classified as a Variant of Uncertain Significance.

NM_002691.4(POLD1):c.1150T>A (p.Phe384Ile)

Gene: POLD1 (DNA polymerase delta 1, catalytic subunit; plus strand). Cytogenetic location: 19q13.33.
Variant type: single nucleotide variant.
Coding change: c.1150T>A on transcript NM_002691.4 (MANE Select); coding-DNA position 1150, T replaced by A.
Protein change: p.Phe384Ile; replaces phenylalanine 384 with isoleucine.
Molecular consequence: missense variant. On other transcripts: non-coding transcript variant (1).
Genome position (GRCh38, 1-based): chr19:50,403,505, T>A. VCF-style: chr19-50403505-T-A. GRCh37 (hg19) VCF-style: chr19-50906762-T-A.
Other names: c.1150T>A, p.Phe384Ile (NM_001256849.1, NM_001308632.1); short protein forms F384I.
Identifiers: ClinVar variation 956410 (VCV000956410.9), dbSNP rs2038746167, ClinGen allele CA406978445.